The following is an entry in ClinVar:

NM_006231.4(POLE):c.6658-3C>T

Gene: POLE (DNA polymerase epsilon, catalytic subunit; minus strand). Cytogenetic location: 12q24.33.
Variant type: single nucleotide variant.
Coding change: c.6658-3C>T on transcript NM_006231.4 (MANE Select); 3 bases into the intron before coding-DNA position 6658, C replaced by T.
Molecular consequence: intron variant.
Genome position (GRCh38, 1-based): chr12:132,624,997, G>A on the plus strand (C>T on the coding strand, the complement: POLE is on the minus strand). VCF-style: chr12-132624997-G-A. GRCh37 (hg19) VCF-style: chr12-133201583-G-A.
Other names: c.6658-3C>T (NM_006231.2).
Identifiers: ClinVar variation 2777558 (VCV002777558.4), dbSNP rs2041802587, ClinGen allele CA2622044133.

ClinVar aggregate classification (germline): Uncertain significance. Review status: criteria provided, multiple submitters, no conflicts (2 of 4 stars). 2 submissions from 2 submitters: Uncertain significance (2). Last evaluated 2026-01-05.

Conditions:
Hereditary cancer-predisposing syndrome. Also called: Tumor predisposition; Neoplastic Syndromes, Hereditary; Hereditary Cancer Syndrome; Hereditary neoplastic syndrome. Identifiers: Orphanet 140162, MedGen C0027672, MeSH D009386, MONDO:0015356.

Allele frequency attached by ClinVar (database versions not stated): gnomAD exomes below 0.00001.
gnomAD v4.1: 1 of 1,612,782 alleles (0.000062%); highest among the groups gnomAD compares: Non-Finnish European, 0.000085%; no homozygotes.

Submissions (2):

Ambry Genetics
Classification: Uncertain significance for Hereditary cancer-predisposing syndrome. Last evaluated: 2026-01-05. Review status: criteria provided, single submitter. Criteria: Ambry Variant Classification Scheme 2023. Collection method: clinical testing. Allele origin: germline.
Comment: The c.6658-3C>T intronic variant results from a C to T substitution 3 nucleotides upstream from coding exon 48 in the POLE gene. This nucleotide position is not well conserved in available vertebrate species. In silico splice site analysis predicts that this alteration will not have any significant effect on splicing. Based on the available evidence, the clinical significance of this variant remains unclear.

Labcorp Genetics (formerly Invitae), Labcorp
Classification: Uncertain significance. Last evaluated: 2023-01-06. Review status: criteria provided, single submitter. Criteria: Invitae Variant Classification Sherloc (09022015). Collection method: clinical testing. Allele origin: germline.
Comment: In summary, the available evidence is currently insufficient to determine the role of this variant in disease. Therefore, it has been classified as a Variant of Uncertain Significance. Variants that disrupt the consensus splice site are a relatively common cause of aberrant splicing (PMID: 17576681, 9536098). Algorithms developed to predict the effect of sequence changes on RNA splicing suggest that this variant is not likely to affect RNA splicing. This variant has not been reported in the literature in individuals affected with POLE-related conditions. This variant is not present in population databases (gnomAD no frequency). This sequence change falls in intron 47 of the POLE gene. It does not directly change the encoded amino acid sequence of the POLE protein. It affects a nucleotide within the consensus splice site.

Literature cited by the submitters: PubMed 17576681 (cited by Labcorp Genetics (formerly Invitae), Labcorp); PubMed 9536098 (cited by Labcorp Genetics (formerly Invitae), Labcorp).